The following is an entry in ClinVar:

ClinVar aggregate classification (germline): Uncertain significance (1 of 4 stars; one submission).

Conditions:
TTC8-related disorder. Also called: TTC8-related condition.

gnomAD v4.1: 3 of 1,606,584 alleles (0.00019%); highest among the groups gnomAD compares: Non-Finnish European, 0.00026%; no homozygotes.

Submission:

PreventionGenetics, part of Exact Sciences
Classification: Uncertain significance for TTC8-related condition. Last evaluated: 2025-09-15. Review status: criteria provided, single submitter. Criteria: ACMG Guidelines, 2015. Collection method: clinical testing. Allele origin: germline.
Comment: The TTC8 c.896C>A variant is predicted to result in the amino acid substitution p.Ala299Glu. To our knowledge, this variant has not been reported in the literature. This variant is reported in 0.00089% of alleles in individuals of European (Non-Finnish) descent in gnomAD. At this time, the clinical significance of this variant is uncertain due to the absence of conclusive functional and genetic evidence.

NM_144596.4(TTC8):c.896C>A (p.Ala299Glu)

Gene: TTC8 (tetratricopeptide repeat domain 8; plus strand). Cytogenetic location: 14q31.3.
Variant type: single nucleotide variant.
Coding change: c.896C>A on transcript NM_144596.4 (MANE Select); coding-DNA position 896, C replaced by A.
Protein change: p.Ala299Glu; replaces alanine 299 with glutamic acid.
Molecular consequence: missense variant. On other transcripts: non-coding transcript variant (1).
Genome position (GRCh38, 1-based): chr14:88,861,319, C>A. VCF-style: chr14-88861319-C-A. GRCh37 (hg19) VCF-style: chr14-89327663-C-A.
Other names: c.944C>A, p.Ala315Glu (NM_001288781.1); c.302C>A, p.Ala101Glu (NM_001288782.1); c.179C>A, p.Ala60Glu (NM_001288783.1); c.866C>A, p.Ala289Glu (NM_001366535.2, NM_198309.3); c.776C>A, p.Ala259Glu (NM_001366536.2, NM_198310.3); short protein forms A259E, A315E, A101E, A299E, A289E, A60E.
Identifiers: ClinVar variation 4986186 (VCV004986186.1).